The following is an entry in ClinVar:

ClinVar aggregate classification (germline): Conflicting classifications of pathogenicity. Review status: criteria provided, conflicting classifications (1 of 4 stars). 3 submissions from 3 submitters: Uncertain significance (2); Likely benign (1). Last evaluated 2025-07-02.

Allele frequency attached by ClinVar (database versions not stated): gnomAD 0.00001 and 0.00003; gnomAD exomes 0.00003 and 0.00008; TOPMed 0.00003; ExAC 0.00010; 1000 Genomes Project 0.00040; 1000 Genomes Project 30x 0.00047.

Submissions (3):

GeneDx
Classification: Uncertain significance. Last evaluated: 2025-07-02. Review status: criteria provided, single submitter. Criteria: GeneDx Variant Classification Process June 2021. Collection method: clinical testing. Allele origin: germline. Affected: yes.
Comment: Has not been previously published as pathogenic or benign to our knowledge; In silico analysis is inconclusive as to whether the variant alters gene splicing. In the absence of RNA/functional studies, the actual effect of this sequence change is unknown.

Labcorp Genetics (formerly Invitae), Labcorp
Classification: Likely benign. Last evaluated: 2025-06-17. Review status: criteria provided, single submitter. Criteria: Invitae Variant Classification Sherloc (09022015). Collection method: clinical testing. Allele origin: germline.

CeGaT Center for Human Genetics Tuebingen
Classification: Uncertain significance. Last evaluated: 2024-05-01. Review status: criteria provided, single submitter. Criteria: CeGaT Center For Human Genetics Tuebingen Variant Classification Criteria Version 2. Collection method: clinical testing. Allele origin: germline. Affected: yes. Observed: 1 variant allele.
Comment: SLC34A3: PM2, BP7

NM_001177316.2(SLC34A3):c.765C>T (p.Ser255=)

Gene: SLC34A3 (solute carrier family 34 member 3; plus strand). Cytogenetic location: 9q34.3.
Variant type: single nucleotide variant.
Coding change: c.765C>T on transcript NM_001177316.2 (MANE Select); coding-DNA position 765, C replaced by T.
Protein change: p.Ser255=; no amino-acid change (serine 255 retained).
Molecular consequence: synonymous variant.
Genome position (GRCh38, 1-based): chr9:137,233,641, C>T. VCF-style: chr9-137233641-C-T. GRCh37 (hg19) VCF-style: chr9-140128093-C-T.
Other names: c.765C>T, p.Ser255= (NM_001177317.2, NM_080877.3); c.765C>T (NM_080877.2).
Identifiers: ClinVar variation 1640762 (VCV001640762.27), dbSNP rs200744225, ClinGen allele CA5364589.